The following is an entry in ClinVar:

ClinVar aggregate classification (germline): Uncertain significance (1 of 4 stars; one submission).

Submission:

Labcorp Genetics (formerly Invitae), Labcorp
Classification: Uncertain significance. Last evaluated: 2022-08-20. Review status: criteria provided, single submitter. Criteria: Invitae Variant Classification Sherloc (09022015). Collection method: clinical testing. Allele origin: germline.
Comment: This sequence change replaces histidine, which is basic and polar, with tyrosine, which is neutral and polar, at codon 163 of the STAMBP protein (p.His163Tyr). This variant is not present in population databases (gnomAD no frequency). This variant has not been reported in the literature in individuals affected with STAMBP-related conditions. Algorithms developed to predict the effect of missense changes on protein structure and function (SIFT, PolyPhen-2, Align-GVGD) all suggest that this variant is likely to be tolerated. In summary, the available evidence is currently insufficient to determine the role of this variant in disease. Therefore, it has been classified as a Variant of Uncertain Significance.

NM_213622.4(STAMBP):c.487C>T (p.His163Tyr)

Gene: STAMBP (STAM binding protein; plus strand). Cytogenetic location: 2p13.1.
Variant type: single nucleotide variant.
Coding change: c.487C>T on transcript NM_213622.4 (MANE Select); coding-DNA position 487, C replaced by T.
Protein change: p.His163Tyr; replaces histidine 163 with tyrosine.
Molecular consequence: missense variant. On other transcripts: non-coding transcript variant (4).
Genome position (GRCh38, 1-based): chr2:73,847,498, C>T. VCF-style: chr2-73847498-C-T. GRCh37 (hg19) VCF-style: chr2-74074625-C-T.
Other names: c.487C>T, p.His163Tyr (NM_001353967.2, NM_001353968.2, NM_001353969.2 and 3 more transcripts); c.82C>T, p.His28Tyr (NM_001353971.2, NM_001353972.2, NM_001353973.2 and 3 more transcripts); short protein forms H163Y, H28Y.
Identifiers: ClinVar variation 1974707 (VCV001974707.2), dbSNP rs1488661358, ClinGen allele CA347305621.